The following is an entry in ClinVar:

NM_000404.4(GLB1):c.1771T>C (p.Tyr591His)

Gene: GLB1 (galactosidase beta 1; minus strand). Cytogenetic location: 3p22.3.
Variant type: single nucleotide variant.
Coding change: c.1771T>C on transcript NM_000404.4 (MANE Select); coding-DNA position 1771, T replaced by C.
Protein change: p.Tyr591His; replaces tyrosine 591 with histidine.
Molecular consequence: missense variant. On other transcripts: intron variant (1).
Genome position (GRCh38, 1-based): chr3:32,997,308, A>G on the plus strand (T>C on the coding strand, the complement: GLB1 is on the minus strand). VCF-style: chr3-32997308-A-G. GRCh37 (hg19) VCF-style: chr3-33038800-A-G.
Other names: c.1681T>C, p.Tyr561His (NM_001079811.3); c.1378T>C, p.Tyr460His (NM_001135602.3); c.1915T>C, p.Tyr639His (NM_001317040.2); c.1734+16748T>C (NM_001393580.1); short protein forms Y460H, Y639H, Y561H, Y591H.
Identifiers: ClinVar variation 2151971 (VCV002151971.4), dbSNP rs72555373, ClinGen allele CA2299298.

ClinVar aggregate classification (germline): Likely pathogenic (1 of 4 stars; one submission).

Conditions:
Mucopolysaccharidosis, MPS-IV-B (MPS4B). Also called: Mucopolysaccharidosis type IV B; Mucopolysaccharidosis Type IVB; Mucopolysaccharidosis type IVB (Morquio); MPS IVB; MORQUIO SYNDROME B; Mucopolysaccharidosis Type IVB (Morquio B Disease). Identifiers: Orphanet 309310, Orphanet 582, MedGen C0086652, MONDO:0009660, OMIM 253010.
GM1 gangliosidosis. Identifiers: Orphanet 354, MedGen C0085131, MONDO:0018149.

Allele frequency attached by ClinVar (database versions not stated): gnomAD exomes below 0.00001; TOPMed below 0.00001; ExAC 0.00001; gnomAD 0.00001; 1000 Genomes Project 30x 0.00016; 1000 Genomes Project 0.00020.
gnomAD v4.1: 2 of 1,613,968 alleles (0.00012%); highest among the groups gnomAD compares: Non-Finnish European, 0.00017%; no homozygotes.

Submission:

Labcorp Genetics (formerly Invitae), Labcorp
Classification: Likely pathogenic for Mucopolysaccharidosis, MPS-IV-B; GM1 gangliosidosis. Last evaluated: 2022-07-06. Review status: criteria provided, single submitter. Criteria: Invitae Variant Classification Sherloc (09022015). Collection method: clinical testing. Allele origin: germline.
Comment: Advanced modeling of protein sequence and biophysical properties (such as structural, functional, and spatial information, amino acid conservation, physicochemical variation, residue mobility, and thermodynamic stability) performed at Invitae indicates that this missense variant is expected to disrupt GLB1 protein function. In summary, the currently available evidence indicates that the variant is pathogenic, but additional data are needed to prove that conclusively. Therefore, this variant has been classified as Likely Pathogenic. This variant disrupts the p.Tyr591 amino acid residue in GLB1. Other variant(s) that disrupt this residue have been determined to be pathogenic (PMID: 10737981). This suggests that this residue is clinically significant, and that variants that disrupt this residue are likely to be disease-causing. This missense change has been observed in individual(s) with GM1 gangliosidosis (PMID: 29439846). This variant is present in population databases (rs72555373, gnomAD 0.002%). This sequence change replaces tyrosine, which is neutral and polar, with histidine, which is basic and polar, at codon 591 of the GLB1 protein (p.Tyr591His).

Literature cited by the submitters: PubMed 10737981; PubMed 29439846.